The following is an entry in ClinVar:

ClinVar aggregate classification (germline): Uncertain significance. Review status: criteria provided, multiple submitters, no conflicts (2 of 4 stars). 2 submissions from 2 submitters: Uncertain significance (2). Last evaluated 2025-10-01.

Conditions:
Developmental and epileptic encephalopathy, 14 (DEE14). Also called: Early infantile epileptic encephalopathy 14. Identifiers: Orphanet 293181, MedGen C3554195, MONDO:0013989, OMIM 614959.
Autosomal dominant nocturnal frontal lobe epilepsy 5. Also called: KCNT1-Related Epilepsy; CILIARY DYSKINESIA, PRIMARY, 28, WITHOUT SITUS INVERSUS; CILIARY DYSKINESIA, PRIMARY, 28, WITH SITUS INVERSUS; Epilepsy, nocturnal frontal lobe, 5. Identifiers: Orphanet 98784, MedGen C3554306, MONDO:0014002, OMIM 615005.

Allele frequency attached by ClinVar (database versions not stated): gnomAD exomes below 0.00001; gnomAD 0.00001; ExAC 0.00002.
gnomAD v4.1: 4 of 1,612,800 alleles (0.00025%); highest among the groups gnomAD compares: Middle Eastern, 0.017%; no homozygotes.

Submissions (2):

CeGaT Center for Human Genetics Tuebingen
Classification: Uncertain significance. Last evaluated: 2025-10-01. Review status: criteria provided, single submitter. Criteria: CeGaT Center For Human Genetics Tuebingen Variant Classification Criteria Version 2. Collection method: clinical testing. Allele origin: germline. Affected: yes. Observed: 1 variant allele.

Labcorp Genetics (formerly Invitae), Labcorp
Classification: Uncertain significance for Autosomal dominant nocturnal frontal lobe epilepsy 5; Developmental and epileptic encephalopathy, 14. Last evaluated: 2024-06-15. Review status: criteria provided, single submitter. Criteria: Invitae Variant Classification Sherloc (09022015). Collection method: clinical testing. Allele origin: germline.
Comment: This sequence change replaces arginine, which is basic and polar, with cysteine, which is neutral and slightly polar, at codon 133 of the KCNT1 protein (p.Arg133Cys). The frequency data for this variant in the population databases is considered unreliable, as metrics indicate poor data quality at this position in the gnomAD database. This variant has not been reported in the literature in individuals affected with KCNT1-related conditions. Advanced modeling of protein sequence and biophysical properties (such as structural, functional, and spatial information, amino acid conservation, physicochemical variation, residue mobility, and thermodynamic stability) performed at Invitae indicates that this missense variant is expected to disrupt KCNT1 protein function with a positive predictive value of 80%. Algorithms developed to predict the effect of sequence changes on RNA splicing suggest that this variant may create or strengthen a splice site. In summary, the available evidence is currently insufficient to determine the role of this variant in disease. Therefore, it has been classified as a Variant of Uncertain Significance.

NM_020822.3(KCNT1):c.397C>T (p.Arg133Cys)

Gene: KCNT1 (potassium sodium-activated channel subfamily T member 1; plus strand). Cytogenetic location: 9q34.3.
Variant type: single nucleotide variant.
Coding change: c.397C>T on transcript NM_020822.3 (MANE Select); coding-DNA position 397, C replaced by T.
Protein change: p.Arg133Cys; replaces arginine 133 with cysteine.
Molecular consequence: missense variant.
Genome position (GRCh38, 1-based): chr9:135,751,004, C>T. VCF-style: chr9-135751004-C-T. GRCh37 (hg19) VCF-style: chr9-138642850-C-T.
Other names: c.253C>T, p.Arg85Cys (NM_001272003.2); short protein forms R133C, R85C.
Identifiers: ClinVar variation 2938367 (VCV002938367.9), dbSNP rs773766129, ClinGen allele CA5326398.